The following is an entry in ClinVar:

NC_000015.10:g.(?_92996937)_(93014929_?)del

Gene: CHD2 (chromodomain helicase DNA binding protein 2; plus strand). Cytogenetic location: 15q26.1.
Variant type: Deletion.
Identifiers: ClinVar variation 474371 (VCV000474371.10).

ClinVar aggregate classification (germline): Pathogenic (1 of 4 stars; one submission).

Conditions:
Developmental and epileptic encephalopathy 94 (DEE94). Also called: CHD2-Related Neurodevelopmental Disorders; Epileptic encephalopathy, childhood-onset. Identifiers: Orphanet 1942, Orphanet 2382, MedGen C3809278, MONDO:0014150, OMIM 615369.

Submission:

Labcorp Genetics (formerly Invitae), Labcorp
Classification: Pathogenic for Developmental and epileptic encephalopathy 94. Last evaluated: 2020-09-18. Review status: criteria provided, single submitter. Criteria: Invitae Variant Classification Sherloc (09022015). Collection method: clinical testing. Allele origin: germline.
Comment: This variant is an in-frame deletion of the genomic region encompassing exon(s) 29-37 of the CHD2 gene. It preserves the integrity of the reading frame. This variant has been observed in individual(s) with clinical features of CHD2-related epilepsy (Invitae). In at least one individual the variant was observed to be de novo. This variant disrupts the p.Arg1313 amino acid residue in CHD2. Other variant(s) that disrupt this residue have been determined to be pathogenic (Invitae). This suggests that this residue is clinically significant, and that variants that disrupt this residue are likely to be disease-causing. For these reasons, this variant has been classified as Pathogenic.